The following is an entry in ClinVar:

ClinVar aggregate classification (germline): Likely benign (1 of 4 stars; one submission).

Conditions:
Malignant hyperthermia, susceptibility to, 1 (MHS1). Also called: Anesthesia related hyperthermia; Malignant hyperpyrexia; Fulminating hyperpyrexia; Pharmacogenic myopathy; RYR1-Related Malignant Hyperthermia Susceptibility; Malignant hyperthermia suceptibility 1. Identifiers: Orphanet 423, MedGen C2930980, MONDO:0007783, OMIM 145600.

Submission:

All of Us Research Program, National Institutes of Health
Classification: Likely benign for Malignant hyperthermia, susceptibility to, 1. Last evaluated: 2024-05-14. Review status: criteria provided, single submitter. Criteria: ACMG Guidelines, 2015. Collection method: clinical testing. Allele origin: germline. Inheritance: Autosomal dominant inheritance. Observed: 1 variant allele, 1 heterozygote.
Comment: This study involves interpretation of variants in research participants for the purpose of population health screening. Participant phenotype was not available at the time of variant classification. Additional details can be found in publication PMID: 35346344, PMCID: PMC8962531

NM_000540.3(RYR1):c.3774A>T (p.Arg1258=)

Gene: RYR1 (ryanodine receptor 1; plus strand). Cytogenetic location: 19q13.2.
Variant type: single nucleotide variant.
Coding change: c.3774A>T on transcript NM_000540.3 (MANE Select); coding-DNA position 3774, A replaced by T.
Protein change: p.Arg1258=; no amino-acid change (arginine 1258 retained).
Molecular consequence: synonymous variant.
Genome position (GRCh38, 1-based): chr19:38,473,385, A>T. VCF-style: chr19-38473385-A-T. GRCh37 (hg19) VCF-style: chr19-38964025-A-T.
Other names: c.3774A>T, p.Arg1258= (NM_001042723.2).
Identifiers: ClinVar variation 3387692 (VCV003387692.1).
Genomic context (GRCh38, chr19:38,473,385, plus strand): 5'-GCCTGGCCTAGCCCGCCTGCCCAGCCCAGTACTCCATTCCCTGCCACCTCAGGTATCCCG[A>T]GTGGACGGCACTGTGGACACGCCCCCCTGCCTGCGCCTGACCCACCGCACCTGGGGCTCC-3'
Protein context (NP_000531.2, residues 1248-1268): PLEHPHYEVS[Arg1258=]VDGTVDTPPC